The following is an entry in ClinVar:

NM_012062.5(DNM1L):c.1645C>T (p.Pro549Ser)

Gene: DNM1L (dynamin 1 like; plus strand). Cytogenetic location: 12p11.21.
Variant type: single nucleotide variant.
Coding change: c.1645C>T on transcript NM_012062.5 (MANE Select); coding-DNA position 1645, C replaced by T.
Protein change: p.Pro549Ser; replaces proline 549 with serine.
Molecular consequence: missense variant. On other transcripts: intron variant (3).
Genome position (GRCh38, 1-based): chr12:32,737,913, C>T. VCF-style: chr12-32737913-C-T. GRCh37 (hg19) VCF-style: chr12-32890847-C-T.
Other names: p.P549S:CCC>TCC; c.1645C>T, p.Pro549Ser (NM_001278463.2); c.1684C>T, p.Pro562Ser (NM_001278464.2, NM_001278465.2); c.1036C>T, p.Pro346Ser (NM_001278466.2); c.1635+752C>T (NM_001330380.2); c.1597-351C>T (NM_012063.4); c.1596+752C>T (NM_005690.5); short protein forms P549S, P562S, P346S.
Identifiers: ClinVar variation 214314 (VCV000214314.5), dbSNP rs761934549, ClinGen allele CA321031.

ClinVar aggregate classification (germline): Uncertain significance. Review status: criteria provided, multiple submitters, no conflicts (2 of 4 stars). 2 submissions from 2 submitters: Uncertain significance (2). Last evaluated 2025-11-15.

Allele frequency attached by ClinVar (database versions not stated): ExAC 0.00001; gnomAD exomes 0.00001 and below 0.00001; gnomAD 0.00001.
gnomAD v4.1: 12 of 1,613,988 alleles (0.00074%); highest among the groups gnomAD compares: East Asian, 0.0022%; no homozygotes.

Submissions (2):

Labcorp Genetics (formerly Invitae), Labcorp
Classification: Uncertain significance. Last evaluated: 2025-11-15. Review status: criteria provided, single submitter. Criteria: Invitae Variant Classification Sherloc (09022015). Collection method: clinical testing. Allele origin: germline.
Comment: This sequence change replaces proline, which is neutral and non-polar, with serine, which is neutral and polar, at codon 549 of the DNM1L protein (p.Pro549Ser). This variant is present in population databases (rs761934549, gnomAD 0.006%). This variant has not been reported in the literature in individuals affected with DNM1L-related conditions. ClinVar contains an entry for this variant (Variation ID: 214314). An algorithm developed to predict the effect of missense changes on protein structure and function (PolyPhen-2) suggests that this variant is likely to be tolerated. In summary, the available evidence is currently insufficient to determine the role of this variant in disease. Therefore, it has been classified as a Variant of Uncertain Significance.

GeneDx
Classification: Uncertain significance. Last evaluated: 2014-09-16. Review status: criteria provided, single submitter. Criteria: GeneDx Variant Classification (06012015). Collection method: clinical testing. Allele origin: germline. Affected: yes.
Comment: p.Pro549Ser (CCC>TCC): c.1645 C>T in exon 15 of the DNM1L gene (NM_012062.3). The P549S variant has not been published as a mutation, nor has it been reported as a benign polymorphism to our knowledge. The P549S variant was not observed in approximately 6500 individuals of European and African American ancestry in the NHLBI Exome Sequencing Project, indicating it is not a common benign variant in these populations. The P549S variant is a non-conservative amino acid substitution, which is likely to impact secondary protein structure as these residues differ in polarity, charge, size and/or other properties. This substitution occurs at a position that is moderately conserved across species. In silico analysis predicts this variant likely does not alter the protein structure/function. Therefore, based on the currently available information, it is unclear whether this variant is a pathogenic mutation or a rare benign variant. The variant is found in MITONUC-MITOP panel(s).